The following is an entry in ClinVar:

NM_000420.3(KEL):c.1340G>A (p.Arg447Gln)

Gene: KEL (Kell metallo-endopeptidase (Kell blood group); minus strand). Cytogenetic location: 7q34.
Variant type: single nucleotide variant.
Coding change: c.1340G>A on transcript NM_000420.3 (MANE Select); coding-DNA position 1340, G replaced by A.
Protein change: p.Arg447Gln; replaces arginine 447 with glutamine.
Molecular consequence: missense variant.
Genome position (GRCh38, 1-based): chr7:142,944,716, C>T on the plus strand (G>A on the coding strand, the complement: KEL is on the minus strand). VCF-style: chr7-142944716-C-T. GRCh37 (hg19) VCF-style: chr7-142641803-C-T.
Other names: short protein forms R447Q.
Identifiers: ClinVar variation 3600464 (VCV003600464.1).

ClinVar aggregate classification (germline): Uncertain significance (1 of 4 stars; one submission).

Submission:

Clinical Genomics Laboratory, Washington University in St. Louis
Classification: Uncertain significance. Last evaluated: 2024-06-10. Review status: criteria provided, single submitter. Criteria: ACMG Guidelines, 2015. Collection method: clinical testing. Allele origin: germline.
Comment: A KEL c.1340G>A (p.Arg447Gln) variant was identified at a near heterozygous allelic fraction of 49.1%, a frequency which may be consistent with germline origin. This variant, to our knowledge, has not been reported in the medical literature. It is observed on 35/1,614,050 alleles in the general population (gnomAD v.4.1.0). Computational predictors suggest that the variant does not impact KEL function. Due to limited information, and based on ACMG/AMP guidelines for variant interpretation (Richards S et al., PMID: 25741868), the clinical significance of this variant is uncertain at this time.